The following is an entry in ClinVar:

NM_000383.4(AIRE):c.538+42del

Gene: AIRE (autoimmune regulator; plus strand). Cytogenetic location: 21q22.3.
Variant type: Deletion.
Coding change: c.538+42del on transcript NM_000383.4 (MANE Select); 42 bases into the intron after coding-DNA position 538, one base deleted (A; older notation c.538+42delA).
Molecular consequence: intron variant.
Genome position (GRCh38, 1-based): chr21:44,287,633, A deleted. VCF-style (leftmost placement, unchanged base first): chr21-44287632-CA-C. GRCh37 (hg19) VCF-style: chr21-45707515-CA-C.
Other names: c.538+42del (LRG_18t1).
Identifiers: ClinVar variation 35666 (VCV000035666.3), dbSNP rs3214074, ClinGen allele CA213512.

ClinVar aggregate classification (germline): Benign (1 of 4 stars; one submission).

Allele frequency attached by ClinVar (database versions not stated): gnomAD exomes 0.01843 and 0.05318; ExAC 0.05086; ESP Exome Variant Server 0.06371; gnomAD 0.06978 and 0.07092; TOPMed 0.08075; 1000 Genomes Project 30x 0.13507.

Submission:

Women's Health and Genetics/Laboratory Corporation of America, LabCorp
Classification: Benign. Last evaluated: 2021-10-08. Review status: criteria provided, single submitter. Criteria: LabCorp Variant Classification Summary - May 2015. Collection method: clinical testing. Allele origin: germline.
Comment: Variant summary: AIRE c.538+42delA is located at a position not widely known to affect splicing. 4/4 computational tools predict no significant impact on normal splicing. However, these predictions have yet to be confirmed by functional studies. The variant allele was found at a frequency of 0.053 in 151354 control chromosomes in the gnomAD database, including 915 homozygotes. The observed variant frequency is approximately 19-fold of the estimated maximal expected allele frequency for a pathogenic variant in AIRE causing Autoimmune Polyglandular Syndrome Type 1 phenotype (0.0028), strongly suggesting that the variant is benign. To our knowledge, no occurrence of c.538+42delA in individuals affected with Autoimmune Polyglandular Syndrome Type 1 and no experimental evidence demonstrating its impact on protein function have been reported. No clinical diagnostic laboratories have submitted clinical-significance assessments for this variant to ClinVar after 2014. Based on the evidence outlined above, the variant was classified as benign.